The following is an entry in ClinVar:

NM_004415.4(DSP):c.4065T>C (p.Tyr1355=)

Gene: DSP (desmoplakin; plus strand). Cytogenetic location: 6p24.3.
Variant type: single nucleotide variant.
Coding change: c.4065T>C on transcript NM_004415.4 (MANE Select); coding-DNA position 4065, T replaced by C.
Protein change: p.Tyr1355=; no amino-acid change (tyrosine 1355 retained).
Molecular consequence: synonymous variant. On other transcripts: intron variant (2).
Genome position (GRCh38, 1-based): chr6:7,580,255, T>C. VCF-style: chr6-7580255-T-C. GRCh37 (hg19) VCF-style: chr6-7580488-T-C.
Other names: p.Tyr1355=; c.4050+15T>C (NM_001319034.2); c.3582+483T>C (NM_001008844.3); c.4065T>C (NM_004415.3).
Identifiers: ClinVar variation 44899 (VCV000044899.74), dbSNP rs148478829, ClinGen allele CA004359.

ClinVar aggregate classification (germline): Conflicting classifications of pathogenicity. Review status: criteria provided, conflicting classifications (1 of 4 stars). 21 submissions from 19 submitters: Uncertain significance (3); Benign (5); Likely benign (7). 6 of the submissions do not count toward it. Last evaluated 2026-02-04.

Conditions:
Cardiovascular phenotype. Identifiers: MedGen CN230736.
DSP-related disorder. Also called: DSP-related condition; DSP-related disorders.
Arrhythmogenic cardiomyopathy with wooly hair and keratoderma. Also called: Dilated cardiomyopathy with woolly hair and keratoderma; Carvajal syndrome; PALMOPLANTAR KERATODERMA WITH LEFT VENTRICULAR CARDIOMYOPATHY AND WOOLLY HAIR; Arrhythmogenic cardiomyopathy with woolly hair and keratoderma. Identifiers: Orphanet 65282, MedGen C1854063, MONDO:0011581, OMIM 605676.
Arrhythmogenic right ventricular dysplasia 8 (ARVD8). Also called: Arrhythmogenic Right Ventricular Dysplasia/Cardiomyopathy 8; ARRHYTHMOGENIC RIGHT VENTRICULAR DYSPLASIA, FAMILIAL, 8; ARRHYTHMOGENIC RIGHT VENTRICULAR CARDIOMYOPATHY 8. Identifiers: MedGen C1843896, MONDO:0011831, OMIM 607450.
Cardiomyopathy (CMYO). Also called: Cardiomyopathies. Identifiers: Orphanet 167848, MedGen C0878544, MONDO:0004994, HP:0001638. Inheritance: Various modes of inheritance.
Lethal acantholytic epidermolysis bullosa (EBLA). Identifiers: Orphanet 158687, MedGen C1864826, MONDO:0012323, OMIM 609638.
Woolly hair-skin fragility syndrome (WHSF). Identifiers: Orphanet 293165, MedGen C1843292, MONDO:0957307, OMIM 620415.

Allele frequency attached by ClinVar (database versions not stated): TOPMed 0.00065; gnomAD 0.00067 and 0.00073; gnomAD exomes 0.00083 and 0.00092; ESP Exome Variant Server 0.00108; ExAC 0.00109.
gnomAD v4.1: 1,444 of 1,613,840 alleles (0.089%); highest among the groups gnomAD compares: Non-Finnish European, 0.1%; 1 homozygote.

Submissions (21):

Labcorp Genetics (formerly Invitae), Labcorp
Classification: Benign for Arrhythmogenic cardiomyopathy with wooly hair and keratoderma; Arrhythmogenic right ventricular dysplasia 8. Last evaluated: 2026-02-04. Review status: criteria provided, single submitter. Criteria: Invitae Variant Classification Sherloc (09022015). Collection method: clinical testing. Allele origin: germline.

CeGaT Center for Human Genetics Tuebingen
Classification: Likely benign. Last evaluated: 2025-11-01. Review status: criteria provided, single submitter. Criteria: CeGaT Center For Human Genetics Tuebingen Variant Classification Criteria Version 2. Collection method: clinical testing. Allele origin: germline. Affected: yes. Observed: 3 variant alleles.
Comment: DSP: BP4, BP7

Mayo Clinic Laboratories, Mayo Clinic
Classification: Likely benign. Last evaluated: 2025-08-01. Review status: criteria provided, single submitter. Criteria: ACMG Guidelines, 2015. Collection method: clinical testing. Allele origin: germline. Observed: 2 variant alleles.
Comment: BS1, BP4, BP7

Molecular Diagnostic Laboratory for Inherited Cardiovascular Disease, Montreal Heart Institute
Classification: Benign. Last evaluated: 2025-02-17. Review status: criteria provided, single submitter. Criteria: ACMG Guidelines, 2015. Collection method: clinical testing. Allele origin: germline. Affected: no.

ARUP Laboratories, Molecular Genetics and Genomics, ARUP Laboratories
Classification: Likely benign. Last evaluated: 2024-11-05. Review status: criteria provided, single submitter. Criteria: ARUP Molecular Germline Variant Investigation Process 2024. Collection method: clinical testing. Allele origin: germline.

Blueprint Genetics
Classification: Likely benign. Last evaluated: 2024-10-25. Review status: criteria provided, single submitter. Criteria: ACMG Guidelines, 2015. Collection method: clinical testing. Allele origin: germline.

All of Us Research Program, National Institutes of Health
Classification: Likely benign for Arrhythmogenic cardiomyopathy with wooly hair and keratoderma. Last evaluated: 2024-02-05. Review status: criteria provided, single submitter. Criteria: ACMG Guidelines, 2015. Collection method: clinical testing. Allele origin: germline. Inheritance: Autosomal dominant inheritance. Observed: 186 variant alleles, 185 heterozygotes, 1 homozygote.
Comment: This study involves interpretation of variants in research participants for the purpose of population health screening. Participant phenotype was not available at the time of variant classification. Additional details can be found in publication PMID: 35346344, PMCID: PMC8962531

CHEO Genetics Diagnostic Laboratory, Children's Hospital of Eastern Ontario
Classification: Benign for Cardiomyopathy. Last evaluated: 2023-05-16. Review status: criteria provided, single submitter. Criteria: ACMG Guidelines, 2015. Collection method: clinical testing. Allele origin: germline.

Women's Health and Genetics/Laboratory Corporation of America, LabCorp
Classification: Benign. Last evaluated: 2018-11-23. Review status: criteria provided, single submitter. Criteria: LabCorp Variant Classification Summary - May 2015. Collection method: clinical testing. Allele origin: germline.
Comment: Variant summary: DSP c.4065T>C alters a non-conserved nucleotide resulting in a synonymous change. 5/5 computational tools predict no significant impact on normal splicing. However, these predictions have yet to be confirmed by functional studies. The variant allele was found at a frequency of 0.00083 in 276350 control chromosomes in the gnomAD database, including 1 homozygote. The observed variant frequency is approximately 80 fold of the estimated maximal expected allele frequency for a pathogenic variant in DSP causing Arrhythmia phenotype (1e-05), strongly suggesting that the variant is benign. To our knowledge, no occurrence of c.4065T>C in individuals affected with Arrhythmia and no experimental evidence demonstrating its impact on protein function have been reported. Three clinical diagnostic laboratories have submitted clinical-significance assessments for this variant to ClinVar after 2014 without evidence for independent evaluation. All laboratories classified the variant as benign (1x) / likely benign (2x). Based on the evidence outlined above, the variant was classified as benign.

Color Diagnostics, LLC DBA Color Health
Classification: Likely benign for Cardiomyopathy. Last evaluated: 2018-06-04. Review status: criteria provided, single submitter. Criteria: ACMG Guidelines, 2015. Collection method: clinical testing. Allele origin: germline.

Laboratory for Molecular Medicine, Mass General Brigham Personalized Medicine
Classification: Benign. Last evaluated: 2018-04-04. Review status: criteria provided, single submitter. Criteria: LMM Criteria. Collection method: clinical testing. Allele origin: germline. Observed: 5 variant alleles.
Comment: Tyr1355Tyr in exon 23 of DSP: This variant is classified as benign because it d oes not alter an amino acid residue and is not located within the splice consens us sequence. Computational tools do not predict an impact on splicing. It has b een identified in 0.1% (158/126102) of European chromosomes by the Genome Aggreg ation Databsae (gnomAD; dbSNP rs148478829). AC MG/AMP Criteria applied: BA1; BP4; BP7.

Illumina Laboratory Services, Illumina
Classification: Uncertain significance for Arrhythmogenic cardiomyopathy with wooly hair and keratoderma. Last evaluated: 2018-01-13. Review status: criteria provided, single submitter. Criteria: ICSL Variant Classification Criteria 13 December 2019. Collection method: clinical testing. Allele origin: germline.

Illumina Laboratory Services, Illumina
Classification: Uncertain significance for Lethal acantholytic epidermolysis bullosa. Last evaluated: 2018-01-13. Review status: criteria provided, single submitter. Criteria: ICSL Variant Classification Criteria 13 December 2019. Collection method: clinical testing. Allele origin: germline.

Illumina Laboratory Services, Illumina
Classification: Uncertain significance for Arrhythmogenic right ventricular dysplasia 8. Last evaluated: 2018-01-13. Review status: criteria provided, single submitter. Criteria: ICSL Variant Classification Criteria 13 December 2019. Collection method: clinical testing. Allele origin: germline.

Ambry Genetics
Classification: Likely benign for Cardiovascular phenotype. Last evaluated: 2015-05-07. Review status: criteria provided, single submitter. Criteria: Ambry Variant Classification Scheme 2023. Collection method: clinical testing. Allele origin: germline.

PreventionGenetics, part of Exact Sciences
Classification: Likely benign for DSP-related condition. Last evaluated: 2019-05-28. Review status: no assertion criteria provided. Collection method: clinical testing. Allele origin: germline. Not counted in ClinVar's aggregate classification.
Comment: This variant is classified as likely benign based on ACMG/AMP sequence variant interpretation guidelines (Richards et al. 2015 PMID: 25741868, with internal and published modifications).

Clinical Genetics DNA and cytogenetics Diagnostics Lab, Erasmus MC, Erasmus Medical Center
Classification: Likely benign. Review status: no assertion criteria provided. Collection method: clinical testing. Allele origin: germline. Affected: yes. Study: VKGL Data-share Consensus. Not counted in ClinVar's aggregate classification.

Clinical Genetics, Academic Medical Center
Classification: Benign. Review status: no assertion criteria provided. Collection method: clinical testing. Allele origin: germline. Affected: yes. Study: VKGL Data-share Consensus. Not counted in ClinVar's aggregate classification.

Diagnostic Laboratory, Department of Genetics, University Medical Center Groningen
Classification: Likely benign. Review status: no assertion criteria provided. Collection method: clinical testing. Allele origin: germline. Affected: yes. Study: VKGL Data-share Consensus. Not counted in ClinVar's aggregate classification.

Genome Diagnostics Laboratory, University Medical Center Utrecht
Classification: Benign. Review status: no assertion criteria provided. Collection method: clinical testing. Allele origin: germline. Affected: yes. Study: VKGL Data-share Consensus. Not counted in ClinVar's aggregate classification.

Joint Genome Diagnostic Labs from Nijmegen and Maastricht, Radboudumc and MUMC+
Classification: Benign. Review status: no assertion criteria provided. Collection method: clinical testing. Allele origin: germline. Affected: yes. Study: VKGL Data-share Consensus. Not counted in ClinVar's aggregate classification.